The following is an entry in ClinVar:

ClinVar aggregate classification (germline): Benign (1 of 4 stars; one submission).

Conditions:
Tuberous sclerosis 2 (TSC2). Identifiers: Orphanet 805, MedGen C1860707, MONDO:0013199, OMIM 613254.

gnomAD v4.1: 1 of 1,613,822 alleles (0.000062%); highest among the groups gnomAD compares: South Asian, 0.0011%; no homozygotes.

Submission:

Myriad Genetics, Inc.
Classification: Benign for Tuberous sclerosis 2. Last evaluated: 2025-04-30. Review status: criteria provided, single submitter. Criteria: Myriad Autosomal Dominant, Autosomal Recessive and X-Linked Classification Criteria (2023). Collection method: clinical testing. Allele origin: unknown.
Comment: This variant is considered benign. This variant is a silent/synonymous amino acid change and it is not expected to impact splicing.

NM_000548.5(TSC2):c.162C>T (p.Leu54=)

Gene: TSC2 (TSC complex subunit 2; plus strand). Cytogenetic location: 16p13.3.
Variant type: single nucleotide variant.
Coding change: c.162C>T on transcript NM_000548.5 (MANE Select); coding-DNA position 162, C replaced by T.
Protein change: p.Leu54=; no amino-acid change (leucine 54 retained).
Molecular consequence: synonymous variant. On other transcripts: 5 prime UTR variant (20), non-coding transcript variant (5).
Genome position (GRCh38, 1-based): chr16:2,050,423, C>T. VCF-style: chr16-2050423-C-T. GRCh37 (hg19) VCF-style: chr16-2100424-C-T.
Other names: c.162C>T, p.Leu54= (NM_001077183.3, NM_001114382.3, NM_001318827.2 and 13 more transcripts); c.15C>T, p.Leu5= (NM_001318829.2, NM_001406675.1, NM_001406676.1 and 2 more transcripts); c.-65C>T (NM_001318831.2, NM_001406682.1, NM_001406684.1 and 3 more transcripts); c.195C>T, p.Leu65= (NM_001318832.2); c.-655C>T (NM_001406680.1, NM_001406683.1, NM_001406687.1); c.-284C>T (NM_001406681.1); c.-1270C>T (NM_001406689.1, NM_001406690.1, NM_001406691.1 and 2 more transcripts); c.-1576C>T (NM_001406693.1); and 3 more.
Identifiers: ClinVar variation 4071214 (VCV004071214.1).
Genomic context (GRCh38, chr16:2,050,423, plus strand): 5'-AGCACTGGCCCCTTTTTCTTCTTTCATCTCTCTCCAGGAACTGAGCATGGAATGTGGCCT[C>T]AACAATCGCATCCGGATGATAGGGCAGATTTGTGAAGTCGCAAAAACCAAGAAATTTGAA-3'
Protein context (NP_000539.2, residues 44-64): ILRELSMECG[Leu54=]NNRIRMIGQI